The following is an entry in ClinVar:

ClinVar aggregate classification (germline): Benign/Likely benign. Review status: criteria provided, multiple submitters, no conflicts (2 of 4 stars). 4 submissions from 4 submitters: Benign (1); Likely benign (3). Last evaluated 2025-06-19.

Conditions:
ATP7A-related disorder. Also called: ATP7A-related condition.
Cutis laxa, X-linked (OHS). Also called: EDS IX; Occipital horn syndrome. Identifiers: Orphanet 198, MedGen C0268353, MONDO:0010572, OMIM 304150.
X-linked distal spinal muscular atrophy type 3. Also called: ATP7A-Related Distal Motor Neuropathy; SPINAL MUSCULAR ATROPHY, DISTAL, X-LINKED RECESSIVE; NEURONOPATHY, DISTAL HEREDITARY MOTOR, X-LINKED; NEUROPATHY, DISTAL HEREDITARY MOTOR, X-LINKED. Identifiers: Orphanet 139557, MedGen C1845359, MONDO:0010338, OMIM 300489.
Menkes kinky-hair syndrome (MNK). Also called: Menkes Disease; Classic Menkes Disease; Copper transport disease. Identifiers: Orphanet 565, MedGen C0022716, MONDO:0010651, OMIM 309400.

Allele frequency attached by ClinVar (database versions not stated): gnomAD 0.00003 and 0.00006; gnomAD exomes 0.00007 and 0.00013; TOPMed 0.00008; ExAC 0.00017; 1000 Genomes Project 30x 0.00042; 1000 Genomes Project 0.00053.
gnomAD v4.1: 83 of 1,209,451 alleles (0.0069%); highest among the groups gnomAD compares: East Asian, 0.24%; no homozygotes.

Submissions (4):

Labcorp Genetics (formerly Invitae), Labcorp
Classification: Benign for X-linked distal spinal muscular atrophy type 3; Cutis laxa, X-linked; Menkes kinky-hair syndrome. Last evaluated: 2025-06-19. Review status: criteria provided, single submitter. Criteria: Invitae Variant Classification Sherloc (09022015). Collection method: clinical testing. Allele origin: germline.

PreventionGenetics, part of Exact Sciences
Classification: Likely benign for ATP7A-related condition. Last evaluated: 2025-06-06. Review status: criteria provided, single submitter. Criteria: ACMG Guidelines, 2015. Collection method: clinical testing. Allele origin: germline.
Comment: This variant is classified as likely benign based on ACMG/AMP sequence variant interpretation guidelines (Richards et al. 2015 PMID: 25741868, with internal and published modifications).

CeGaT Center for Human Genetics Tuebingen
Classification: Likely benign. Last evaluated: 2025-03-01. Review status: criteria provided, single submitter. Criteria: CeGaT Center For Human Genetics Tuebingen Variant Classification Criteria Version 2. Collection method: clinical testing. Allele origin: germline. Affected: yes. Observed: 1 variant allele.
Comment: ATP7A: BS2; PGK1: BS2

Fulgent Genetics
Classification: Likely benign for X-linked distal spinal muscular atrophy type 3; Cutis laxa, X-linked; Menkes kinky-hair syndrome. Last evaluated: 2022-01-04. Review status: criteria provided, single submitter. Criteria: ACMG Guidelines, 2015. Collection method: clinical testing. Allele origin: unknown.

NM_000052.7(ATP7A):c.2111A>G (p.Gln704Arg)

Genes: ATP7A (ATPase copper transporting alpha; plus strand), PGK1 (phosphoglycerate kinase 1; plus strand). Cytogenetic location: Xq21.1.
Variant type: single nucleotide variant.
Coding change: c.2111A>G on transcript NM_000052.7 (MANE Select); coding-DNA position 2111, A replaced by G.
Protein change: p.Gln704Arg; replaces glutamine 704 with arginine.
Molecular consequence: missense variant.
Genome position (GRCh38, 1-based): chrX:78,011,613, A>G. VCF-style: chrX-78011613-A-G. GRCh37 (hg19) VCF-style: chrX-77267110-A-G.
Other names: c.2111A>G (NM_000052.6); c.2111A>G, p.Gln704Arg (NM_001282224.2); short protein forms Q704R.
Identifiers: ClinVar variation 1168703 (VCV001168703.18), dbSNP rs782577253, ClinGen allele CA10459197.
Genomic context (GRCh38, chrX:78,011,613, plus strand): 5'-ATCAAAACATGAGTAAAGAAGAAATGATCAACCTTCATTCTTCTATGTTCCTGGAGCGCC[A>G]GATTCTTCCAGGATTGTCTGTTATGAATTTGCTGTCCTTTTTATTGTGTGTACCTGTACA-3'
Protein context (NP_000043.4, residues 694-714): NLHSSMFLER[Gln704Arg]ILPGLSVMNL